The following is an entry in ClinVar:

ClinVar aggregate classification (germline): Uncertain significance. Review status: criteria provided, multiple submitters, no conflicts (2 of 4 stars). 2 submissions from 2 submitters: Uncertain significance (2). Last evaluated 2022-06-30.

Conditions:
Cardiovascular phenotype. Identifiers: MedGen CN230736.
Hereditary cancer-predisposing syndrome. Also called: Neoplastic Syndromes, Hereditary; Tumor predisposition; Hereditary Cancer Syndrome; Hereditary neoplastic syndrome. Identifiers: Orphanet 140162, MedGen C0027672, MeSH D009386, MONDO:0015356.
Neurofibromatosis, type 1 (NF1). Also called: VON RECKLINGHAUSEN DISEASE; NEUROFIBROMATOSIS, TYPE I, SOMATIC; Neurofibromatosis, type I; Peripheral type neurofibromatosis. Identifiers: Orphanet 636, MedGen C0027831, MONDO:0018975, OMIM 162200. Disease mechanism: loss of function.

Submissions (2):

Labcorp Genetics (formerly Invitae), Labcorp
Classification: Uncertain significance for Neurofibromatosis, type 1. Last evaluated: 2022-06-30. Review status: criteria provided, single submitter. Criteria: Invitae Variant Classification Sherloc (09022015). Collection method: clinical testing. Allele origin: germline.
Comment: This variant is not present in population databases (gnomAD no frequency). This sequence change replaces threonine, which is neutral and polar, with serine, which is neutral and polar, at codon 123 of the NF1 protein (p.Thr123Ser). This variant has not been reported in the literature in individuals affected with NF1-related conditions. In summary, the available evidence is currently insufficient to determine the role of this variant in disease. Therefore, it has been classified as a Variant of Uncertain Significance. Algorithms developed to predict the effect of sequence changes on RNA splicing suggest that this variant may create or strengthen a splice site. Advanced modeling of protein sequence and biophysical properties (such as structural, functional, and spatial information, amino acid conservation, physicochemical variation, residue mobility, and thermodynamic stability) performed at Invitae indicates that this missense variant is not expected to disrupt NF1 protein function.

Ambry Genetics
Classification: Uncertain significance for Cardiovascular phenotype; Hereditary cancer-predisposing syndrome. Last evaluated: 2022-04-21. Review status: criteria provided, single submitter. Criteria: Ambry Variant Classification Scheme 2023. Collection method: clinical testing. Allele origin: germline.
Comment: The p.T123S variant (also known as c.368C>G), located in coding exon 4 of the NF1 gene, results from a C to G substitution at nucleotide position 368. The threonine at codon 123 is replaced by serine, an amino acid with similar properties. This amino acid position is highly conserved in available vertebrate species. In addition, the in silico prediction for this alteration is inconclusive. Since supporting evidence is limited at this time, the clinical significance of this alteration remains unclear.

NM_001042492.3(NF1):c.368C>G (p.Thr123Ser)

Gene: NF1 (neurofibromin 1; plus strand). Cytogenetic location: 17q11.2.
Variant type: single nucleotide variant.
Coding change: c.368C>G on transcript NM_001042492.3 (MANE Select); coding-DNA position 368, C replaced by G.
Protein change: p.Thr123Ser; replaces threonine 123 with serine.
Molecular consequence: missense variant.
Genome position (GRCh38, 1-based): chr17:31,163,265, C>G. VCF-style: chr17-31163265-C-G. GRCh37 (hg19) VCF-style: chr17-29490283-C-G.
Other names: c.368C>G, p.Thr123Ser (NM_000267.4, NM_001128147.3); short protein forms T123S.
Identifiers: ClinVar variation 1733948 (VCV001733948.7), dbSNP rs878853886, ClinGen allele CA398981803.